The following is an entry in ClinVar:

ClinVar aggregate classification (germline): Uncertain significance (1 of 4 stars; one submission).

Conditions:
Rubinstein-Taybi syndrome (RSTS). Identifiers: Orphanet 783, MedGen C0035934, MONDO:0019188.

Submission:

Labcorp Genetics (formerly Invitae), Labcorp
Classification: Uncertain significance for Rubinstein-Taybi syndrome. Last evaluated: 2025-06-09. Review status: criteria provided, single submitter. Criteria: Invitae Variant Classification Sherloc (09022015). Collection method: clinical testing. Allele origin: germline.
Comment: This sequence change replaces threonine, which is neutral and polar, with isoleucine, which is neutral and non-polar, at codon 910 of the CREBBP protein (p.Thr910Ile). This variant is not present in population databases (gnomAD no frequency). This variant has not been reported in the literature in individuals affected with CREBBP-related conditions. Invitae Evidence Modeling of protein sequence and biophysical properties (such as structural, functional, and spatial information, amino acid conservation, physicochemical variation, residue mobility, and thermodynamic stability) indicates that this missense variant is not expected to disrupt CREBBP protein function with a negative predictive value of 95%. In summary, the available evidence is currently insufficient to determine the role of this variant in disease. Therefore, it has been classified as a Variant of Uncertain Significance.

NM_004380.3(CREBBP):c.2729C>T (p.Thr910Ile)

Gene: CREBBP (CREB binding lysine acetyltransferase; minus strand). Cytogenetic location: 16p13.3.
Variant type: single nucleotide variant.
Coding change: c.2729C>T on transcript NM_004380.3 (MANE Select); coding-DNA position 2729, C replaced by T.
Protein change: p.Thr910Ile; replaces threonine 910 with isoleucine.
Molecular consequence: missense variant.
Genome position (GRCh38, 1-based): chr16:3,770,721, G>A on the plus strand (C>T on the coding strand, the complement: CREBBP is on the minus strand). VCF-style: chr16-3770721-G-A. GRCh37 (hg19) VCF-style: chr16-3820722-G-A.
Other names: c.2615C>T, p.Thr872Ile (NM_001079846.1); short protein forms T872I, T910I.
Identifiers: ClinVar variation 4762201 (VCV004762201.1).
Genomic context (GRCh38, chr16:3,770,721, plus strand): 5'-GGCTGCGGGGTCACCTGGGCCTGGGCTGCTGCCTGGACTGTAGGGGTGCTCTGGGTTTGG[G>A]TAGCACTGGGCACTGAGCCAGGAGTCGGGGTGGGAGTCTGCCCGGAAGACGACACAGGAG-3'
Protein context (NP_004371.2, residues 900-920): TPTPGSVPSA[Thr910Ile]QTQSTPTVQA